The following is an entry in ClinVar:

NM_001134831.2(AHI1):c.2945G>T (p.Arg982Met)

Gene: AHI1 (Abelson helper integration site 1; minus strand). Cytogenetic location: 6q23.3.
Variant type: single nucleotide variant.
Coding change: c.2945G>T on transcript NM_001134831.2 (MANE Select); coding-DNA position 2945, G replaced by T.
Protein change: p.Arg982Met; replaces arginine 982 with methionine.
Molecular consequence: missense variant.
Genome position (GRCh38, 1-based): chr6:135,411,364, C>A on the plus strand (G>T on the coding strand, the complement: AHI1 is on the minus strand). VCF-style: chr6-135411364-C-A. GRCh37 (hg19) VCF-style: chr6-135732502-C-A.
Other names: c.2945G>T, p.Arg982Met (NM_001134830.2, NM_001134832.2, NM_001350503.2 and 2 more transcripts); short protein forms R982M.
Identifiers: ClinVar variation 696692 (VCV000696692.17), dbSNP rs370400336, ClinGen allele CA4012231.
Genomic context (GRCh38, chr6:135,411,364, plus strand): 5'-GATAGAAATAGTTTTAAAGTTTCAACTGCATAAAATAAACTTACTGTGACAGTTTCAAGC[C>A]TCTGTTTTACTAGCTGCATCTTCGTTGAAGAACTTTCAGTGTGGACAAATTCATCAATCT-3'
Protein context (NP_001128303.1, residues 972-992): SSTKMQLVKQ[Arg982Met]LETVTEVIRS

ClinVar aggregate classification (germline): Likely benign. Review status: criteria provided, multiple submitters, no conflicts (2 of 4 stars). 4 submissions from 4 submitters: Likely benign (3). 1 of the submissions does not count toward it. Last evaluated 2026-02-01.

Conditions:
AHI1-related disorder. Also called: AHI1-related condition.
Joubert syndrome 3 (JBTS3). Also called: AHI1-related Ciliopathy. Identifiers: Orphanet 220493, MedGen C1837713, MONDO:0012078, OMIM 608629.
Joubert syndrome. Also called: Familial aplasia of the vermis; JOUBERT-BOLTSHAUSER SYNDROME. Identifiers: Orphanet 475, MedGen C5979921, MONDO:0018772.

Allele frequency attached by ClinVar (database versions not stated): gnomAD exomes 0.00042 and 0.00014; 1000 Genomes Project 30x 0.00094; 1000 Genomes Project 0.00120; gnomAD 0.00009 and 0.00014; TOPMed 0.00031; ExAC 0.00038.
gnomAD v4.1: 240 of 1,613,658 alleles (0.015%); highest among the groups gnomAD compares: East Asian, 0.39%; 1 homozygote.

Submissions (4):

Labcorp Genetics (formerly Invitae), Labcorp
Classification: Likely benign for Joubert syndrome. Last evaluated: 2026-02-01. Review status: criteria provided, single submitter. Criteria: Invitae Variant Classification Sherloc (09022015). Collection method: clinical testing. Allele origin: germline.

Blueprint Genetics
Classification: Likely benign. Last evaluated: 2024-07-08. Review status: criteria provided, single submitter. Criteria: ACMG Guidelines, 2015. Collection method: clinical testing. Allele origin: germline.

Illumina Laboratory Services, Illumina
Classification: Likely benign for Joubert syndrome 3. Last evaluated: 2017-11-06. Review status: criteria provided, single submitter. Criteria: ICSL Variant Classification Criteria 13 December 2019. Collection method: clinical testing. Allele origin: germline.
Comment: This variant was observed as part of a predisposition screen in an ostensibly healthy population. A literature search was performed for the gene, cDNA change, and amino acid change (where applicable). No publications were found based on this search. Allele frequency data from public databases allowed determination this variant is unlikely to cause disease. Therefore, this variant is classified as likely benign.

PreventionGenetics, part of Exact Sciences
Classification: Likely benign for AHI1-related condition. Last evaluated: 2021-12-24. Review status: no assertion criteria provided. Collection method: clinical testing. Allele origin: germline. Not counted in ClinVar's aggregate classification.
Comment: This variant is classified as likely benign based on ACMG/AMP sequence variant interpretation guidelines (Richards et al. 2015 PMID: 25741868, with internal and published modifications).